The following is an entry in ClinVar:

NM_002382.5(MAX):c.179_182dup (p.Gln62fs)

Gene: MAX (MYC associated transcriptional regulator X; minus strand). Cytogenetic location: 14q23.3.
Variant type: Duplication.
Coding change: c.179_182dup on transcript NM_002382.5 (MANE Select); coding-DNA positions 179 to 182, 4 bases duplicated (GGGC; older notation c.179_182dupGGGC).
Protein change: p.Gln62fs; shifts the reading frame from glutamine 62.
Molecular consequence: frameshift variant. On other transcripts: 5 prime UTR variant (6), non-coding transcript variant (7), intron variant (2).
Genome position (GRCh38, 1-based): chr14:65,078,026-65,078,029, GCCC duplicated on the plus strand (GGGC on the coding strand, the reverse complement: MAX is on the minus strand); duplicating any 4 consecutive bases within chr14:65,078,026-65,078,030 gives the same sequence; the c. name uses the placement nearest the transcript's 3' end. VCF-style (leftmost placement, unchanged base first): chr14-65078025-G-GGCCC. GRCh37 (hg19) VCF-style: chr14-65544743-G-GGCCC.
Other names: c.179_182dupGGGC (NM_002382.3); c.-96_-93dup (NM_001320415.2, NM_001407105.1, NM_001407106.1 and 1 more transcripts); c.179_182dup, p.Gln62fs (NM_001407094.1, NM_001407096.1, NM_001407097.1 and 3 more transcripts); c.152_155dup, p.Gln53fs (NM_001407095.1, NM_001407099.1, NM_001407100.1 and 6 more transcripts); c.71_74dup, p.Gln26fs (NM_001407098.1); c.-189_-186dup (NM_001407111.1, NM_001407112.1); c.144+15679_144+15682dup (NM_001271069.2); c.171+15679_171+15682dup (NM_197957.4); short protein forms Q62fs, Q26fs, Q53fs.
Identifiers: ClinVar variation 3543698 (VCV003543698.1).

ClinVar aggregate classification (germline): Pathogenic (1 of 4 stars; one submission).

Conditions:
Hereditary cancer-predisposing syndrome. Also called: Hereditary Cancer Syndrome; Hereditary neoplastic syndrome; Tumor predisposition; Neoplastic Syndromes, Hereditary. Identifiers: Orphanet 140162, MedGen C0027672, MeSH D009386, MONDO:0015356.

Submission:

Ambry Genetics
Classification: Pathogenic for Hereditary cancer-predisposing syndrome. Last evaluated: 2024-09-19. Review status: criteria provided, single submitter. Criteria: Ambry Variant Classification Scheme 2023. Collection method: clinical testing. Allele origin: germline.
Comment: The c.179_182dupGGGC pathogenic mutation, located in coding exon 4 of the MAX gene, results from a duplication of GGGC at nucleotide position 179, causing a translational frameshift with a predicted alternate stop codon (p.Q62Gfs*26). This alteration occurs at the 3' terminus of the MAX gene, is not expected to trigger nonsense-mediated mRNA decay, and impacts the last 61% of the protein. However, premature stop codons are typically deleterious in nature and a significant portion of the protein is affected (Ambry internal data). This variant is considered to be rare based on population cohorts in the Genome Aggregation Database (gnomAD). As such, this alteration is interpreted as a disease-causing mutation.